The following is an entry in ClinVar:

NM_005340.7(HINT1):c.278G>A (p.Gly93Asp)

Gene: HINT1 (histidine triad nucleotide binding protein 1; minus strand). Cytogenetic location: 5q23.3.
Variant type: single nucleotide variant.
Coding change: c.278G>A on transcript NM_005340.7 (MANE Select); coding-DNA position 278, G replaced by A.
Protein change: p.Gly93Asp; replaces glycine 93 with aspartic acid.
Molecular consequence: missense variant. On other transcripts: non-coding transcript variant (5).
Genome position (GRCh38, 1-based): chr5:131,159,550, C>T on the plus strand (G>A on the coding strand, the complement: HINT1 is on the minus strand). VCF-style: chr5-131159550-C-T. GRCh37 (hg19) VCF-style: chr5-130495243-C-T.
Other names: c.278G>A (NM_005340.6); short protein forms G93D.
Identifiers: ClinVar variation 37318 (VCV000037318.4), dbSNP rs397514493, ClinGen allele CA130165.

ClinVar aggregate classification (germline): Pathogenic/Likely pathogenic. Review status: criteria provided, multiple submitters, no conflicts (2 of 4 stars). 3 submissions from 3 submitters: Pathogenic (1); Likely pathogenic (1). 1 of the submissions does not count toward it. Last evaluated 2023-05-15.

Conditions:
Autosomal recessive axonal neuropathy with neuromyotonia (NMAN). Also called: Neuromyotonia and axonal neuropathy, autosomal recessive; MYOKYMIA, MYOTONIA, AND MUSCLE WASTING; Gamstorp-Wohlfart syndrome. Identifiers: Orphanet 324442, MedGen C5700127, MONDO:0007646, OMIM 137200.
Inborn genetic diseases. Identifiers: MedGen C0950123, MeSH D030342.

Allele frequency attached by ClinVar (database versions not stated): gnomAD 0.00001; TOPMed 0.00001; ExAC 0.00002; gnomAD exomes 0.00002.
gnomAD v4.1: 11 of 1,613,686 alleles (0.00068%); highest among the groups gnomAD compares: East Asian, 0.013%; no homozygotes.

Submissions (3):

Women's Health and Genetics/Laboratory Corporation of America, LabCorp
Classification: Pathogenic for Autosomal recessive axonal neuropathy with neuromyotonia. Last evaluated: 2023-05-15. Review status: criteria provided, single submitter. Criteria: LabCorp Variant Classification Summary - May 2015. Collection method: clinical testing. Allele origin: germline.
Comment: Variant summary: HINT1 c.278G>A (p.Gly93Asp) results in a non-conservative amino acid change located in the HIT-like domain (IPR011146) of the encoded protein sequence. Five of five in-silico tools predict a damaging effect of the variant on protein function. The variant allele was found at a frequency of 2e-05 in 251344 control chromosomes (gnomAD). c.278G>A has been reported in the literature as a compound heterozygous genotype in individuals affected with Autosomal Recessive Axonal Neuropathy With Neuromyotonia with a Charcot-Marie-Tooth disease presentation, including a case where it was found in trans with a pathogenic variant and segregated with disease in a family, and also in an individual undergoing WES whose phenotype was not specified (e.g. Zimon_2012, Lin_2020, Stranneheim_2021). These data indicate that the variant is likely associated with disease. A publication reporting experimental evidence evaluating an impact on protein function found that the variant protein exists in the monomeric state instead of forming a dimer and resulted in a catalytic activity <10% of normal (Shah_2018). The following publications have been ascertained in the context of this evaluation (PMID: 31832804, 29787766, 33726816, 22961002). One clinical diagnostic laboratory has submitted a clinical-significance assessment for this variant to ClinVar after 2014 and classified the variant as likely pathogenic. Based on the evidence outlined above, the variant was classified as pathogenic.

Ambry Genetics
Classification: Likely pathogenic for Inborn genetic diseases. Last evaluated: 2020-12-18. Review status: criteria provided, single submitter. Criteria: Ambry Variant Classification Scheme 2023. Collection method: clinical testing. Allele origin: germline.
Comment: The p.G93D variant (also known as c.278G>A), located in coding exon 3 of the HINT1 gene, results from a G to A substitution at nucleotide position 278. The glycine at codon 93 is replaced by aspartic acid, an amino acid with similar properties. This mutation has been detected in a compound heterozygous state in individuals presenting with a Charcot-Marie-Tooth disease phenotype (Zimo M et al. Nat Genet, 2012 Oct;44:1080-3; Lin S et al. Neurogenetics, 2020 04;21:79-86). Additionally, functional studies have shown that this alteration appears to lead to impaired substrate binding and reduced catalytic activity (Shah RM et al. J Mol Biol, 2018 08;430:2709-2721). This amino acid position is highly conserved in available vertebrate species. In addition, this alteration is predicted to be deleterious by in silico analysis. Based on the majority of available evidence to date, this variant is likely to be pathogenic.

OMIM
Classification: Pathogenic for NEUROMYOTONIA AND AXONAL NEUROPATHY, AUTOSOMAL RECESSIVE. Last evaluated: 2012-10-01. Review status: no assertion criteria provided. Collection method: literature only. Allele origin: germline. Not counted in ClinVar's aggregate classification.

Literature cited by the submitters: PubMed 33726816 (cited by Women's Health and Genetics/Laboratory Corporation of America, LabCorp); PubMed 31832804 (cited by Women's Health and Genetics/Laboratory Corporation of America, LabCorp and Ambry Genetics); PubMed 29787766 (cited by Women's Health and Genetics/Laboratory Corporation of America, LabCorp and Ambry Genetics); PubMed 22961002 (cited by 3 submitters).